The following is an entry in ClinVar:

ClinVar aggregate classification (germline): Uncertain significance (1 of 4 stars; one submission).

Submission:

Labcorp Genetics (formerly Invitae), Labcorp
Classification: Uncertain significance. Last evaluated: 2022-06-20. Review status: criteria provided, single submitter. Criteria: Invitae Variant Classification Sherloc (09022015). Collection method: clinical testing. Allele origin: germline.
Comment: In summary, the available evidence is currently insufficient to determine the role of this variant in disease. Therefore, it has been classified as a Variant of Uncertain Significance. Algorithms developed to predict the effect of missense changes on protein structure and function (SIFT, PolyPhen-2, Align-GVGD) all suggest that this variant is likely to be disruptive. ClinVar contains an entry for this variant (Variation ID: 1025870). This variant has not been reported in the literature in individuals affected with PDE6A-related conditions. This variant is not present in population databases (gnomAD no frequency). This sequence change replaces valine, which is neutral and non-polar, with alanine, which is neutral and non-polar, at codon 543 of the PDE6A protein (p.Val543Ala).

NM_000440.3(PDE6A):c.1628T>C (p.Val543Ala)

Gene: PDE6A (phosphodiesterase 6A; minus strand). Cytogenetic location: 5q32.
Variant type: single nucleotide variant.
Coding change: c.1628T>C on transcript NM_000440.3 (MANE Select); coding-DNA position 1628, T replaced by C.
Protein change: p.Val543Ala; replaces valine 543 with alanine.
Molecular consequence: missense variant.
Genome position (GRCh38, 1-based): chr5:149,895,283, A>G on the plus strand (T>C on the coding strand, the complement: PDE6A is on the minus strand). VCF-style: chr5-149895283-A-G. GRCh37 (hg19) VCF-style: chr5-149274846-A-G.
Other names: short protein forms V543A.
Identifiers: ClinVar variation 1025870 (VCV001025870.6), dbSNP rs1752697921, ClinGen allele CA361695243.
Genomic context (GRCh38, chr5:149,895,283, plus strand): 5'-TGCCGCCAGTTGTGGTAGGTGATCTTGCGGTAGCCCTTACTCAGGGAGTACATGAACCGC[A>G]CCAGGGCCTGTGAACACATGCACATCAGTGAGGCAGGACACACCTGAAATGGTCTCATGA-3'
Protein context (NP_000431.2, residues 533-553): DKFHIPQEAL[Val543Ala]RFMYSLSKGY